The following is an entry in ClinVar:

ClinVar aggregate classification (germline): Pathogenic/Likely pathogenic. Review status: criteria provided, multiple submitters, no conflicts (2 of 4 stars). 2 submissions from 2 submitters: Pathogenic (1); Likely pathogenic (1). Last evaluated 2025-09-12.

Conditions:
Hereditary cancer-predisposing syndrome. Also called: Neoplastic Syndromes, Hereditary; Hereditary neoplastic syndrome; Hereditary Cancer Syndrome; Tumor predisposition. Identifiers: Orphanet 140162, MedGen C0027672, MeSH D009386, MONDO:0015356.

Submissions (2):

Ambry Genetics
Classification: Likely pathogenic for Hereditary cancer-predisposing syndrome. Last evaluated: 2025-09-12. Review status: criteria provided, single submitter. Criteria: Ambry Variant Classification Scheme 2023. Collection method: clinical testing. Allele origin: germline.
Comment: The c.892-2A>G intronic variant results from an A to G substitution two nucleotides upstream from coding exon 9 in the PRKAR1A gene. This alteration occurs at the 3' terminus of the gene, is not expected to trigger nonsense-mediated mRNA decay, and only impacts the last 17% of the protein. The exact functional effect of this alteration is unknown; however, the region predicted to be impacted is critical for protein function (Ambry internal data). This variant is considered to be rare based on population cohorts in the Genome Aggregation Database (gnomAD). This nucleotide position is highly conserved in available vertebrate species. In silico splice site analysis predicts that this alteration will weaken the native splice acceptor site and will result in the creation or strengthening of a novel splice acceptor site. Based on the majority of available evidence to date, this variant is likely to be pathogenic.

GeneDx
Classification: Pathogenic. Last evaluated: 2025-01-02. Review status: criteria provided, single submitter. Criteria: GeneDx Variant Classification Process June 2021. Collection method: clinical testing. Allele origin: germline. Affected: yes.
Comment: Canonical splice site variant predicted to result in a null allele in a gene for which loss of function is a known mechanism of disease; Not observed at significant frequency in large population cohorts (gnomAD); This variant is associated with the following publications: (PMID: 26130139, 25525159, 20358582)

NM_002734.5(PRKAR1A):c.892-2A>G

Gene: PRKAR1A (protein kinase cAMP-dependent type I regulatory subunit alpha; plus strand). Cytogenetic location: 17q24.2.
Variant type: single nucleotide variant.
Coding change: c.892-2A>G on transcript NM_002734.5 (MANE Select); the canonical splice acceptor site of the intron before coding-DNA position 892, A replaced by G.
Molecular consequence: splice acceptor variant.
Genome position (GRCh38, 1-based): chr17:68,529,918, A>G. VCF-style: chr17-68529918-A-G. GRCh37 (hg19) VCF-style: chr17-66526059-A-G.
Other names: c.892-2A>G (NM_001278433.2, NM_001369389.1, NM_212471.3 and 5 more transcripts).
Identifiers: ClinVar variation 1194985 (VCV001194985.4), dbSNP rs2143382661, ClinGen allele CA400754070.
Genomic context (GRCh38, chr17:68,529,918, plus strand): 5'-TAAGGTGCCACCCTGGGTTTGAGAGTGTGTGTTTGTTTAGCTTTTTGGTGATTTTATTAT[A>G]GGGGTCAGCTGCTGTGCTACAACGTCGGTCAGAAAATGAAGAGTTTGTTGAAGTGGGAAG-3'